The following is an entry in ClinVar:

NM_024312.5(GNPTAB):c.1856A>G (p.Asn619Ser)

Gene: GNPTAB (N-acetylglucosamine-1-phosphate transferase subunits alpha and beta; minus strand). Cytogenetic location: 12q23.2.
Variant type: single nucleotide variant.
Coding change: c.1856A>G on transcript NM_024312.5 (MANE Select); coding-DNA position 1856, A replaced by G.
Protein change: p.Asn619Ser; replaces asparagine 619 with serine.
Molecular consequence: missense variant.
Genome position (GRCh38, 1-based): chr12:101,765,061, T>C on the plus strand (A>G on the coding strand, the complement: GNPTAB is on the minus strand). VCF-style: chr12-101765061-T-C. GRCh37 (hg19) VCF-style: chr12-102158839-T-C.
Other names: c.1856A>G (NM_024312.4); short protein forms N619S.
Identifiers: ClinVar variation 1377812 (VCV001377812.7), dbSNP rs746584582, ClinGen allele CA6746517.
Genomic context (GRCh38, chr12:101,765,061, plus strand): 5'-GGTCCCTCCCTTGTGTCCACCTCCACTGTTATCTGCATTTTGAACTCTTCATCGTTTGTA[T>C]TTTGAAACGTGAGATTAAAATGTATTGTGGTGGCATTCATTCCACTGTGCATTATGAGGT-3'
Protein context (NP_077288.2, residues 609-629): TTIHFNLTFQ[Asn619Ser]TNDEEFKMQI

ClinVar aggregate classification (germline): Uncertain significance. Review status: criteria provided, multiple submitters, no conflicts (2 of 4 stars). 2 submissions from 2 submitters: Uncertain significance (2). Last evaluated 2024-12-22.

Conditions:
Pseudo-Hurler polydystrophy. Also called: ML III; ML III ALPHA/BETA; MUCOLIPIDOSIS IIIA; Type III Mucolipidosis; ML IIIA; Mucolipidosis III Alpha/Beta. Identifiers: Orphanet 423461, Orphanet 577, MedGen C0033788, MONDO:0018931, OMIM 252600.
Mucolipidosis type II. Also called: ML II ALPHA/BETA; Mucolipidosis 2; ML 2; Inclusion cell disease; Leroy Disease; N-acetylglucosamine 1phosphotransferase deficiency. Identifiers: Orphanet 576, MedGen C2673377, MONDO:0009650, OMIM 252500.
Inborn genetic diseases. Identifiers: MedGen C0950123, MeSH D030342.

Allele frequency attached by ClinVar (database versions not stated): ExAC 0.00001; gnomAD 0.00002; TOPMed 0.00002; gnomAD exomes 0.00001.
gnomAD v4.1: 6 of 1,614,060 alleles (0.00037%); highest among the groups gnomAD compares: African/African-American, 0.008%; no homozygotes.

Submissions (3):

Ambry Genetics
Classification: Uncertain significance for Inborn genetic diseases. Last evaluated: 2024-12-22. Review status: criteria provided, single submitter. Criteria: Ambry Variant Classification Scheme 2023. Collection method: clinical testing. Allele origin: germline.

Labcorp Genetics (formerly Invitae), Labcorp
Classification: Uncertain significance for Pseudo-Hurler polydystrophy; Mucolipidosis type II. Last evaluated: 2021-08-31. Review status: criteria provided, single submitter. Criteria: Invitae Variant Classification Sherloc (09022015). Collection method: clinical testing. Allele origin: germline.
Comment: This sequence change replaces asparagine with serine at codon 619 of the GNPTAB protein (p.Asn619Ser). The asparagine residue is moderately conserved and there is a small physicochemical difference between asparagine and serine. The frequency data for this variant in the population databases is considered unreliable, as metrics indicate poor data quality at this position in the ExAC database. This variant has not been reported in the literature in individuals affected with GNPTAB-related conditions. Algorithms developed to predict the effect of missense changes on protein structure and function output the following: SIFT: "Deleterious"; PolyPhen-2: "Benign"; Align-GVGD: "Class C0". The serine amino acid residue is found in multiple mammalian species, which suggests that this missense change does not adversely affect protein function. Algorithms developed to predict the effect of sequence changes on RNA splicing suggest that this variant may create or strengthen a splice site. In summary, the available evidence is currently insufficient to determine the role of this variant in disease. Therefore, it has been classified as a Variant of Uncertain Significance.

Dr. Peter K. Rogan Lab, Western University
No classification provided (evidence only). Condition: Clear cell carcinoma of kidney. Review status: no classification provided. Collection method: in vitro. Allele origin: not applicable. Functional consequence: retained intron. Not counted in ClinVar's aggregate classification.